The following is an entry in ClinVar:

NM_001291415.2(KDM6A):c.2017C>T (p.Arg673Cys)

Gene: KDM6A (lysine demethylase 6A; plus strand). Cytogenetic location: Xp11.3.
Variant type: single nucleotide variant.
Coding change: c.2017C>T on transcript NM_001291415.2 (MANE Select); coding-DNA position 2017, C replaced by T.
Protein change: p.Arg673Cys; replaces arginine 673 with cysteine.
Molecular consequence: missense variant. On other transcripts: non-coding transcript variant (1).
Genome position (GRCh38, 1-based): chrX:45,063,755, C>T. VCF-style: chrX-45063755-C-T. GRCh37 (hg19) VCF-style: chrX-44923000-C-T.
Other names: c.1882C>T, p.Arg628Cys (NM_001291416.2); c.1726C>T, p.Arg576Cys (NM_001291417.2); c.1624C>T, p.Arg542Cys (NM_001291418.2); c.973C>T, p.Arg325Cys (NM_001291421.2); c.1861C>T, p.Arg621Cys (NM_021140.4); short protein forms R325C, R542C, R576C, R621C, R628C, R673C.
Identifiers: ClinVar variation 1188559 (VCV001188559.10), dbSNP rs139486036, ClinGen allele CA10392446.

ClinVar aggregate classification (germline): Likely benign. Review status: criteria provided, multiple submitters, no conflicts (2 of 4 stars). 2 submissions from 2 submitters: Likely benign (2). Last evaluated 2025-04-21.

Conditions:
Kabuki syndrome 2 (KABUK2). Also called: KDM6A-Related Kabuki Syndrome. Identifiers: Orphanet 2322, MedGen C3275495, MONDO:0010465, OMIM 300867.

Allele frequency attached by ClinVar (database versions not stated): gnomAD 0.00002 and 0.00003; ExAC 0.00005; gnomAD exomes 0.00005; TOPMed 0.00008; ESP Exome Variant Server 0.00019.
gnomAD v4.1: 37 of 1,205,305 alleles (0.0031%); highest among the groups gnomAD compares: South Asian, 0.036%; no homozygotes.

Submissions (2):

Labcorp Genetics (formerly Invitae), Labcorp
Classification: Likely benign for Kabuki syndrome 2. Last evaluated: 2025-04-21. Review status: criteria provided, single submitter. Criteria: Invitae Variant Classification Sherloc (09022015). Collection method: clinical testing. Allele origin: germline.

GeneDx
Classification: Likely benign. Last evaluated: 2020-12-14. Review status: criteria provided, single submitter. Criteria: GeneDx Variant Classification Process June 2021. Collection method: clinical testing. Allele origin: germline. Affected: yes.
Comment: This variant is associated with the following publications: (PMID: 28915720)